The following is an entry in ClinVar:

NM_001365999.1(SZT2):c.9441-3C>T

Genes: SZT2 (SZT2 subunit of KICSTOR complex; plus strand), SZT2-AS1 (SZT2 antisense RNA 1; minus strand). Cytogenetic location: 1p34.2.
Variant type: single nucleotide variant.
Coding change: c.9441-3C>T on transcript NM_001365999.1 (MANE Select); 3 bases into the intron before coding-DNA position 9441, C replaced by T.
Molecular consequence: intron variant. On other transcripts: non-coding transcript variant (1).
Genome position (GRCh38, 1-based): chr1:43,447,846, C>T. VCF-style: chr1-43447846-C-T. GRCh37 (hg19) VCF-style: chr1-43913517-C-T.
Other names: c.9270-3C>T (NM_015284.4).
Identifiers: ClinVar variation 4865283 (VCV004865283.1).

ClinVar aggregate classification (germline): Uncertain significance (1 of 4 stars; one submission).

Conditions:
Inborn genetic diseases. Identifiers: MedGen C0950123, MeSH D030342.

Submission:

Ambry Genetics
Classification: Uncertain significance for Inborn genetic diseases. Last evaluated: 2026-06-10. Review status: criteria provided, single submitter. Criteria: Ambry Variant Classification Scheme 2023. Collection method: clinical testing. Allele origin: germline.
Comment: The c.9270-3C>T intronic alteration consists of a C to T substitution 3 nucleotides before coding exon 67 in the SZT2 gene. This variant was not reported in population-based cohorts in the Genome Aggregation Database (gnomAD). Based on insufficient or conflicting evidence, the clinical significance of this alteration remains unclear.